The following is an entry in ClinVar:

NM_006904.7(PRKDC):c.6916A>G (p.Asn2306Asp)

Gene: PRKDC (protein kinase, DNA-activated, catalytic subunit; minus strand). Cytogenetic location: 8q11.21.
Variant type: single nucleotide variant.
Coding change: c.6916A>G on transcript NM_006904.7 (MANE Select); coding-DNA position 6916, A replaced by G.
Protein change: p.Asn2306Asp; replaces asparagine 2306 with aspartic acid.
Molecular consequence: missense variant.
Genome position (GRCh38, 1-based): chr8:47,852,762, T>C on the plus strand (A>G on the coding strand, the complement: PRKDC is on the minus strand). VCF-style: chr8-47852762-T-C. GRCh37 (hg19) VCF-style: chr8-48765323-T-C.
Other names: c.6916A>G, p.Asn2306Asp (NM_001081640.2); short protein forms N2306D.
Identifiers: ClinVar variation 2561928 (VCV002561928.2), dbSNP rs2088439353, ClinGen allele CA371158281.

ClinVar aggregate classification (germline): Uncertain significance (1 of 4 stars; one submission).

Allele frequency attached by ClinVar (database versions not stated): TOPMed below 0.00001; gnomAD 0.00001.
gnomAD v4.1: 1 of 1,571,344 alleles (0.000064%); highest among the groups gnomAD compares: Non-Finnish European, 0.000086%; no homozygotes.

Submission:

Ambry Genetics
Classification: Uncertain significance. Last evaluated: 2023-03-30. Review status: criteria provided, single submitter. Criteria: Ambry Variant Classification Scheme 2023. Collection method: clinical testing. Allele origin: germline.
Comment: The p.N2306D variant (also known as c.6916A>G), located in coding exon 52 of the PRKDC gene, results from an A to G substitution at nucleotide position 6916. The asparagine at codon 2306 is replaced by aspartic acid, an amino acid with highly similar properties. This amino acid position is conserved. In addition, this alteration is predicted to be tolerated by in silico analysis. Since supporting evidence is limited at this time, the clinical significance of this alteration remains unclear.